The following is an entry in ClinVar:

NM_001034853.2(RPGR):c.2792del (p.Glu931fs)

Gene: RPGR (retinitis pigmentosa GTPase regulator; minus strand). Cytogenetic location: Xp11.4.
Variant type: Deletion.
Coding change: c.2792del on transcript NM_001034853.2 (MANE Select); coding-DNA position 2792, one base deleted (A; older notation c.2792delA).
Protein change: p.Glu931fs; shifts the reading frame from glutamic acid 931.
Molecular consequence: frameshift variant. On other transcripts: intron variant (8).
Genome position (GRCh38, 1-based): chrX:38,286,207, T deleted on the plus strand (A on the coding strand, the reverse complement: RPGR is on the minus strand). VCF-style (leftmost placement, unchanged base first): chrX-38286206-CT-C. GRCh37 (hg19) VCF-style: chrX-38145459-CT-C.
Other names: NM_001034853.2(RPGR):c.2792del; p.Glu931fs; c.1569+4752del (NM_001367249.1, NM_001367250.1); c.1902+887del (NM_001367245.1); c.1386+4752del (NM_001367251.1); c.1719+887del (NM_001367246.1); c.1572+4752del (NM_001367247.1); c.1905+887del (NM_000328.3); and 1 more; short protein forms E931fs.
Identifiers: ClinVar variation 2138533 (VCV002138533.8), dbSNP rs2519786964, ClinGen allele CA2580100882.
Genomic context (GRCh38, chrX:38,286,206, plus strand): 5'-CTCCTCTTCCCCCTCCCCTTCTCCATCCTCCCCTTCCCCTTCTCCTTCCTCCTCTTCCCC[CT>C]CCCCTTCTCCTTCCTCTCCTTCCTCCTCCCCTTTCCCTTCTCCTTCCTCCTCTTCTCCCT-3'

ClinVar aggregate classification (germline): Pathogenic. Review status: reviewed by expert panel (3 of 4 stars). 5 submissions from 5 submitters: Pathogenic (1). 4 of the submissions do not count toward it. Last evaluated 2025-09-05.

Conditions:
RPGR-related retinopathy. Also called: RPGR retinopathy. Identifiers: MedGen CN305589, MONDO:0100437.
RPGR-related disorder. Also called: RPGR-related condition.
Retinal dystrophy. Also called: Inherited retinal dystrophy. Identifiers: Orphanet 71862, MedGen C0854723, MeSH D058499, MONDO:0019118, HP:0000556.
Retinitis pigmentosa 3. Also called: CHOROIDORETINAL DEGENERATION WITH RETINAL REFLEX IN HETEROZYGOUS WOMEN. Identifiers: Orphanet 791, MedGen C1845667, MONDO:0010227, OMIM 300029.
Primary ciliary dyskinesia. Also called: Ciliary dyskinesia. Identifiers: Orphanet 244, MedGen C0008780, MONDO:0016575, HP:0012265.

Submissions (5):

ClinGen X-linked Inherited Retinal Disease Variant Curation Expert Panel, ClinGen
Classification: Pathogenic for RPGR-related retinopathy. Last evaluated: 2025-09-05. Review status: reviewed by expert panel. Criteria: ClinGen X LinkedIRD ACMG Specifications RPGR V1.0.0. Collection method: curation. Allele origin: germline. Inheritance: X-linked inheritance.
Comment: NM_001034853.2(RPGR):c.2792del (p.Glu931GlyfsTer?) is a frameshift variant due to one nucleotide deletion introducing a premature stop codon after 158 amino acids within exon 15 of 15 that is predicted to disrupt a critical C-terminal region required for proper glutamylation of RPGR (PVS1, PMID: 36445968). This variant is absent from gnomAD v4.1.0 (PM2_Supporting). At least one proband harboring this variant exhibits a phenotype including first/second-decade onset (1 pt), electroretinogram responses showing rod involvement relatively greater than cone involvement (1 pt), and genotyping by next-generation sequencing finding no alternative explanation for retinal disease (2 pts), which together are specific for RPGR-related retinopathy (4 total points, PMID: 33372982, PP4). In summary, this variant is classified as pathogenic for RPGR-related retinopathy based on the ClinGen X-linked Inherited Retinal Disease Expert Panel Specifications to the ACMG/AMP Variant Interpretation Guidelines for RPGR Version 1.0.0; PVS1, PM2_Supporting, and PP4.

Blueprint Genetics
Classification: Pathogenic for RPGR-related disorders. Last evaluated: 2024-01-05. Review status: criteria provided, single submitter. Criteria: ACMG Guidelines, 2015. Collection method: clinical testing. Allele origin: germline. Affected: yes. Observed: 5 variant alleles. Not counted in ClinVar's aggregate classification.

Labcorp Genetics (formerly Invitae), Labcorp
Classification: Pathogenic for Primary ciliary dyskinesia. Last evaluated: 2023-07-19. Review status: criteria provided, single submitter. Criteria: Invitae Variant Classification Sherloc (09022015). Collection method: clinical testing. Allele origin: germline. Not counted in ClinVar's aggregate classification.
Comment: For these reasons, this variant has been classified as Pathogenic. This variant disrupts a region of the RPGR (ORF15) protein in which other variant(s) (p.Leu1130Lysfs*13) have been determined to be pathogenic (PMID: 22264887; Invitae). This suggests that this is a clinically significant region of the protein, and that variants that disrupt it are likely to be disease-causing. ClinVar contains an entry for this variant (Variation ID: 2138533). This variant is also known as ORF15+1039delA. This premature translational stop signal has been observed in individual(s) with X-linked retinitis pigmentosa (PMID: 16969763). The frequency data for this variant in the population databases is considered unreliable, as metrics indicate insufficient coverage at this position in the gnomAD database. This sequence change creates a premature translational stop signal (p.Glu931Glyfs*158) in the RPGR (ORF15) gene. While this is not anticipated to result in nonsense mediated decay, it is expected to disrupt the last 222 amino acid(s) of the RPGR (ORF15) protein.

Institute of Medical Genetics and Applied Genomics, University Hospital Tübingen
Classification: Pathogenic for Retinitis pigmentosa 3. Last evaluated: 2023-03-29. Review status: criteria provided, single submitter. Criteria: ACMG Guidelines, 2015. Collection method: clinical testing. Allele origin: germline. Affected: yes. Not counted in ClinVar's aggregate classification.

Institute of Human Genetics, Univ. Regensburg, Univ. Regensburg
Classification: Pathogenic for Retinal dystrophy. Last evaluated: 2021-01-01. Review status: criteria provided, single submitter. Criteria: ACMG Guidelines, 2015. Collection method: clinical testing. Allele origin: germline. Affected: yes. Not counted in ClinVar's aggregate classification.

Literature cited by the submitters: PubMed 22264887 (cited by Labcorp Genetics (formerly Invitae), Labcorp); PubMed 16969763 (cited by Labcorp Genetics (formerly Invitae), Labcorp and Institute of Human Genetics, Univ. Regensburg, Univ. Regensburg); PubMed 28863407 (cited by Institute of Human Genetics, Univ. Regensburg, Univ. Regensburg); PubMed 36460718 (cited by Institute of Human Genetics, Univ. Regensburg, Univ. Regensburg).